The following is an entry in ClinVar:

ClinVar aggregate classification (germline): Uncertain significance. Review status: criteria provided, multiple submitters, no conflicts (2 of 4 stars). 2 submissions from 2 submitters: Uncertain significance (2). Last evaluated 2025-12-15.

Conditions:
Familial cold autoinflammatory syndrome 3 (FCAS3). Also called: FAMILIAL ATYPICAL COLD URTICARIA; ANTIBODY DEFICIENCY AND IMMUNE DYSREGULATION, PLCG2-ASSOCIATED. Identifiers: Orphanet 300359, MedGen C3280914, MONDO:0013766, OMIM 614468.
Autoinflammation-PLCG2-associated antibody deficiency-immune dysregulation. Also called: Autoinflammation, antibody deficiency, and immune dysregulation syndrome; AUTOINFLAMMATION, ANTIBODY DEFICIENCY, AND IMMUNE DYSREGULATION; Autoinflammation, antibody deficiency, and immune dysregulation, plcg2-associated. Identifiers: Orphanet 324530, MedGen C3553961, MONDO:0013944, OMIM 614878.

Allele frequency attached by ClinVar (database versions not stated): TOPMed 0.00005.
gnomAD v4.1: 15 of 1,596,834 alleles (0.00094%); highest among the groups gnomAD compares: African/African-American, 0.02%; no homozygotes.

Submissions (2):

Labcorp Genetics (formerly Invitae), Labcorp
Classification: Uncertain significance for Familial cold autoinflammatory syndrome 3. Last evaluated: 2025-12-15. Review status: criteria provided, single submitter. Criteria: Invitae Variant Classification Sherloc (09022015). Collection method: clinical testing. Allele origin: germline.
Comment: This sequence change replaces phenylalanine, which is neutral and non-polar, with leucine, which is neutral and non-polar, at codon 284 of the PLCG2 protein (p.Phe284Leu). The frequency data for this variant in the population databases is considered unreliable, as metrics indicate poor data quality at this position in the gnomAD database. This variant has not been reported in the literature in individuals affected with PLCG2-related conditions. ClinVar contains an entry for this variant (Variation ID: 837107). An algorithm developed to predict the effect of missense changes on protein structure and function (PolyPhen-2) suggests that this variant is likely to be disruptive. In summary, the available evidence is currently insufficient to determine the role of this variant in disease. Therefore, it has been classified as a Variant of Uncertain Significance.

Fulgent Genetics
Classification: Uncertain significance for Familial cold autoinflammatory syndrome 3; Autoinflammation-PLCG2-associated antibody deficiency-immune dysregulation. Last evaluated: 2021-12-26. Review status: criteria provided, single submitter. Criteria: ACMG Guidelines, 2015. Collection method: clinical testing. Allele origin: unknown.

NM_002661.5(PLCG2):c.852C>A (p.Phe284Leu)

Gene: PLCG2 (phospholipase C gamma 2; plus strand). Cytogenetic location: 16q23.3.
Variant type: single nucleotide variant.
Coding change: c.852C>A on transcript NM_002661.5 (MANE Select); coding-DNA position 852, C replaced by A.
Protein change: p.Phe284Leu; replaces phenylalanine 284 with leucine.
Molecular consequence: missense variant.
Genome position (GRCh38, 1-based): chr16:81,889,258, C>A. VCF-style: chr16-81889258-C-A. GRCh37 (hg19) VCF-style: chr16-81922863-C-A.
Other names: short protein forms F284L.
Identifiers: ClinVar variation 837107 (VCV000837107.11), dbSNP rs190687540, ClinGen allele CA8193470.